The following is an entry in ClinVar:

ClinVar aggregate classification (germline): Pathogenic (1 of 4 stars; one submission).

Submission:

ISCA site 4
Classification: Pathogenic. Last evaluated: 2011-08-12. Review status: criteria provided, single submitter. Criteria: Kaminsky et al. (Genet Med. 2011). Collection method: clinical testing. Allele origin: unknown. Affected: yes. Observed: 1 variant allele.
Comment: Copy number variation identified through the course of routine clinical cytogenomic testing in postnatal populations. Clinical assertions have been curated as described in Kaminsky et al. 2011.

GRCh38/hg38 4p16.3-15.1(chr4:72555-28066309)x1

Genes: LRPAP1 (LDL receptor related protein associated protein 1; minus strand), LYAR (Ly1 antibody reactive; minus strand), MAEA (macrophage erythroblast attacher, E3 ubiquitin ligase; plus strand), MAN2B2 (mannosidase alpha class 2B member 2; plus strand), MED28 (mediator complex subunit 28; plus strand) and 847 more. Cytogenetic location: 4p16.3-15.1.
Variant type: copy number loss.
Change: copy number 1 (one copy instead of two) of chr4:72,555-28,066,309 (27.99 Mb, GRCh38 coordinates, 1-based), cytogenetic band 4p16.3-15.1.
Identifiers: ClinVar variation 57902 (VCV000057902.1).